The following is an entry in ClinVar:

ClinVar aggregate classification (germline): Pathogenic. Review status: criteria provided, multiple submitters, no conflicts (2 of 4 stars). 3 submissions from 3 submitters: Pathogenic (2). 1 of the submissions does not count toward it. Last evaluated 2022-01-01.

Conditions:
Hereditary spastic paraplegia 7 (SPG7). Also called: Spastic paraplegia 7; Hereditary spastic paraplegia Paraplegin type; SPASTIC PARAPLEGIA 7, AUTOSOMAL RECESSIVE, WITH OR WITHOUT CEREBELLAR ATAXIA; Autosomal recessive spastic paraplegia type 7; SPG7-related neurologic disorder. Identifiers: Orphanet 99013, MedGen C1846564, MONDO:0011803, OMIM 607259.
Polyneuropathy. Identifiers: MedGen C0152025, MONDO:0001824, HP:0001271.

Submissions (3):

PROSPAX: an integrated multimodal progression  chart in spastic ataxias, Center for Neurology; Hertie-Institute for Clinical Brain Research
Classification: Pathogenic for Hereditary spastic paraplegia 7. Last evaluated: 2022-01-01. Review status: criteria provided, single submitter. Criteria: ACMG Guidelines, 2015. Collection method: research. Allele origin: germline. Affected: yes.
Comment: Variant seen in compound het: [c.1529C>T;c.87G>A]

Paris Brain Institute, Inserm - ICM
Classification: Pathogenic for Hereditary spastic paraplegia 7. Review status: criteria provided, single submitter. Criteria: ACMG Guidelines, 2015. Collection method: clinical testing. Allele origin: unknown. Affected: yes. Observed: 3 variant alleles.

Institute of Human Genetics, University of Wuerzburg
Classification: Pathogenic for Polyneuropathy. Review status: no assertion criteria provided. Collection method: clinical testing. Allele origin: unknown. Not counted in ClinVar's aggregate classification.

NM_003119.4(SPG7):c.87G>A (p.Trp29Ter)

Genes: SPG7 (SPG7 matrix AAA peptidase subunit, paraplegin; plus strand), LOC130059818 (ATAC-STARR-seq lymphoblastoid silent region 7911; plus strand). Cytogenetic location: 16q24.3.
Variant type: single nucleotide variant.
Coding change: c.87G>A on transcript NM_003119.4 (MANE Select); coding-DNA position 87, G replaced by A.
Protein change: p.Trp29Ter; replaces tryptophan 29 with a stop codon.
Molecular consequence: nonsense.
Genome position (GRCh38, 1-based): chr16:89,508,504, G>A. VCF-style: chr16-89508504-G-A. GRCh37 (hg19) VCF-style: chr16-89574912-G-A.
Other names: c.87G>A, p.Trp29Ter (NM_001363850.1, NM_199367.3); c.87G>A (NM_003119.2); short protein forms W29*.
Identifiers: ClinVar variation 689557 (VCV000689557.4), dbSNP rs1597597437, ClinGen allele CA397415958.